The following is an entry in ClinVar:

ClinVar aggregate classification (germline): Uncertain significance (0 of 4 stars; one submission).

Conditions:
CCDC40-related disorder. Also called: CCDC40-related condition.

Submission:

PreventionGenetics, part of Exact Sciences
Classification: Uncertain significance for CCDC40-related condition. Last evaluated: 2024-08-08. Review status: no assertion criteria provided. Collection method: clinical testing. Allele origin: germline.
Comment: The CCDC40 c.1757_1759delACA variant is predicted to result in an in-frame deletion (p.Tyr586_Arg587delinsTrp). To our knowledge, this variant has not been reported in the literature. This variant is reported in 0.0065% of alleles in individuals of European (Non-Finnish) descent in gnomAD. At this time, the clinical significance of this variant is uncertain due to the absence of conclusive functional and genetic evidence.

NM_017950.4(CCDC40):c.1757_1759del (p.Tyr586_Arg587delinsTrp)

Gene: CCDC40 (coiled-coil domain 40 molecular ruler complex subunit; plus strand). Cytogenetic location: 17q25.3.
Variant type: Deletion.
Coding change: c.1757_1759del on transcript NM_017950.4 (MANE Select); coding-DNA positions 1757 to 1759, 3 bases deleted (ACA; older notation c.1757_1759delACA).
Protein change: p.Tyr586_Arg587delinsTrp.
Molecular consequence: inframe indel.
Genome position (GRCh38, 1-based): chr17:80,081,740-80,081,742, ACA deleted. VCF-style (leftmost placement, unchanged base first): chr17-80081739-TACA-T. GRCh37 (hg19) VCF-style: chr17-78055538-TACA-T.
Other names: c.1757_1759del, p.Tyr586_Arg587delinsTrp (NM_001243342.2).
Identifiers: ClinVar variation 3354530 (VCV003354530.1).